The following is an entry in ClinVar:

NM_022489.4(INF2):c.2878+19_2878+48dup

Gene: INF2 (inverted formin 2; plus strand). Cytogenetic location: 14q32.33.
Variant type: Duplication.
Coding change: c.2878+19_2878+48dup on transcript NM_022489.4 (MANE Select); bases 19 to 48 of the intron after coding-DNA position 2878, 30 bases duplicated (GGCGGGGAGGGGGTGACTCTGGGATCCTTG).
Molecular consequence: intron variant.
Genome position (GRCh38, 1-based): chr14:104,713,328-104,713,357, GGCGGGGAGGGGGTGACTCTGGGATCCTTG duplicated; duplicating any 30 consecutive bases within chr14:104,713,326-104,713,357 gives the same sequence; the c. name uses the placement nearest the transcript's 3' end. VCF-style (leftmost placement, unchanged base first): chr14-104713325-C-CTGGGCGGGGAGGGGGTGACTCTGGGATCCT. GRCh37 (hg19) VCF-style: chr14-105179662-C-CTGGGCGGGGAGGGGGTGACTCTGGGATCCT.
Other names: c.2878+19_2878+48dup (NM_001031714.4).
Identifiers: ClinVar variation 1957868 (VCV001957868.5), dbSNP rs2541947284, ClinGen allele CA2580088544.

ClinVar aggregate classification (germline): Uncertain significance (1 of 4 stars; one submission).

Conditions:
Focal segmental glomerulosclerosis 5 (FSGS5). Identifiers: Orphanet 656, MedGen C2750475, MONDO:0013191, OMIM 613237.
Charcot-Marie-Tooth disease dominant intermediate E. Also called: CHARCOT-MARIE-TOOTH NEUROPATHY WITH FOCAL SEGMENTAL GLOMERULONEPHRITIS. Identifiers: Orphanet 93114, MedGen C4302667, MONDO:0013758, OMIM 614455.

Submission:

Labcorp Genetics (formerly Invitae), Labcorp
Classification: Uncertain significance for Charcot-Marie-Tooth disease dominant intermediate E; Focal segmental glomerulosclerosis 5. Last evaluated: 2022-06-10. Review status: criteria provided, single submitter. Criteria: Invitae Variant Classification Sherloc (09022015). Collection method: clinical testing. Allele origin: germline.
Comment: In summary, the available evidence is currently insufficient to determine the role of this variant in disease. Therefore, it has been classified as a Variant of Uncertain Significance. Algorithms developed to predict the effect of sequence changes on RNA splicing suggest that this variant may create or strengthen a splice site. This variant has not been reported in the literature in individuals affected with INF2-related conditions. This variant is not present in population databases (gnomAD no frequency). This sequence change falls in intron 19 of the INF2 gene. It does not directly change the encoded amino acid sequence of the INF2 protein.